The following is an entry in ClinVar:

NM_007186.6(CEP250):c.4069G>A (p.Val1357Met)

Gene: CEP250 (centrosomal protein 250; plus strand). Cytogenetic location: 20q11.22.
Variant type: single nucleotide variant.
Coding change: c.4069G>A on transcript NM_007186.6 (MANE Select); coding-DNA position 4069, G replaced by A.
Protein change: p.Val1357Met; replaces valine 1357 with methionine.
Molecular consequence: missense variant.
Genome position (GRCh38, 1-based): chr20:35,502,438, G>A. VCF-style: chr20-35502438-G-A. GRCh37 (hg19) VCF-style: chr20-34090266-G-A.
Other names: c.4069G>A (NM_007186.3); c.2173G>A, p.Val725Met (NM_001318219.1); short protein forms V1357M, V725M.
Identifiers: ClinVar variation 1043213 (VCV001043213.7), dbSNP rs761101944, ClinGen allele CA9833654.

ClinVar aggregate classification (germline): Uncertain significance. Review status: criteria provided, multiple submitters, no conflicts (2 of 4 stars). 3 submissions from 3 submitters: Uncertain significance (3). Last evaluated 2025-11-23.

Allele frequency attached by ClinVar (database versions not stated): ExAC 0.00004; gnomAD 0.00004 and 0.00005; TOPMed 0.00004; gnomAD exomes 0.00005.
gnomAD v4.1: 74 of 1,613,982 alleles (0.0046%); highest among the groups gnomAD compares: South Asian, 0.042%; no homozygotes.

Submissions (3):

Ambry Genetics
Classification: Uncertain significance. Last evaluated: 2025-11-23. Review status: criteria provided, single submitter. Criteria: Ambry Variant Classification Scheme 2023. Collection method: clinical testing. Allele origin: germline.

Labcorp Genetics (formerly Invitae), Labcorp
Classification: Uncertain significance. Last evaluated: 2023-11-27. Review status: criteria provided, single submitter. Criteria: Invitae Variant Classification Sherloc (09022015). Collection method: clinical testing. Allele origin: germline.
Comment: This sequence change replaces valine with methionine at codon 1357 of the CEP250 protein (p.Val1357Met). The valine residue is moderately conserved and there is a small physicochemical difference between valine and methionine. This variant is present in population databases (rs761101944, gnomAD 0.03%). This variant has not been reported in the literature in individuals affected with CEP250-related conditions. ClinVar contains an entry for this variant (Variation ID: 1043213). An algorithm developed to predict the effect of missense changes on protein structure and function (PolyPhen-2) suggests that this variant is likely to be disruptive. In summary, the available evidence is currently insufficient to determine the role of this variant in disease. Therefore, it has been classified as a Variant of Uncertain Significance.

Blueprint Genetics
Classification: Uncertain significance. Last evaluated: 2023-04-14. Review status: criteria provided, single submitter. Criteria: ACMG Guidelines, 2015. Collection method: clinical testing. Allele origin: germline.